The following is an entry in ClinVar:

ClinVar aggregate classification (germline): Conflicting classifications of pathogenicity. Review status: criteria provided, conflicting classifications (1 of 4 stars). 4 submissions from 4 submitters: Uncertain significance (1); Benign (1); Likely benign (2). Last evaluated 2025-12-01.

Conditions:
Tuberous sclerosis 2 (TSC2). Identifiers: Orphanet 805, MedGen C1860707, MONDO:0013199, OMIM 613254.
Hereditary cancer-predisposing syndrome. Also called: Hereditary neoplastic syndrome; Tumor predisposition; Hereditary Cancer Syndrome; Neoplastic Syndromes, Hereditary. Identifiers: Orphanet 140162, MedGen C0027672, MeSH D009386, MONDO:0015356.
Tuberous sclerosis syndrome (TSC). Also called: Tuberous Sclerosis Complex; Tuberous sclerosis. Identifiers: Orphanet 805, MedGen C0041341, MONDO:0001734.

Allele frequency attached by ClinVar (database versions not stated): gnomAD exomes 0.00001 and 0.00002; TOPMed 0.00002; gnomAD 0.00003.
gnomAD v4.1: 10 of 1,611,838 alleles (0.00062%); highest among the groups gnomAD compares: East Asian, 0.0045%; no homozygotes.

Submissions (4):

Labcorp Genetics (formerly Invitae), Labcorp
Classification: Likely benign for Tuberous sclerosis 2. Last evaluated: 2025-12-01. Review status: criteria provided, single submitter. Criteria: Invitae Variant Classification Sherloc (09022015). Collection method: clinical testing. Allele origin: germline.

All of Us Research Program, National Institutes of Health
Classification: Uncertain significance for Tuberous sclerosis syndrome. Last evaluated: 2023-12-18. Review status: criteria provided, single submitter. Criteria: ACMG Guidelines, 2015. Collection method: clinical testing. Allele origin: germline. Inheritance: Autosomal dominant inheritance. Observed: 1 variant allele, 1 heterozygote.
Comment: This variant causes a G to A nucleotide substitution at the +5 position of intron 37 of the TSC2 gene. To our knowledge, functional studies have not been reported for this variant. This variant has not been reported in individuals affected with TSC2-related disorders in the literature. This variant has been identified in 5/275894 chromosomes in the general population by the Genome Aggregation Database (gnomAD). The available evidence is insufficient to determine the role of this variant in disease conclusively. Therefore, this variant is classified as a Variant of Uncertain Significance.

This study involves interpretation of variants in research participants for the purpose of population health screening. Participant phenotype was not available at the time of variant classification. Additional details can be found in publication PMID: 35346344, PMCID: PMC8962531

Genome-Nilou Lab
Classification: Benign for Tuberous sclerosis 2. Last evaluated: 2021-11-07. Review status: criteria provided, single submitter. Criteria: ACMG Guidelines, 2015. Collection method: clinical testing. Allele origin: germline. Affected: no.

Ambry Genetics
Classification: Likely benign for Hereditary cancer-predisposing syndrome. Last evaluated: 2019-10-25. Review status: criteria provided, single submitter. Criteria: Ambry Variant Classification Scheme 2023. Collection method: clinical testing. Allele origin: germline.

NM_000548.5(TSC2):c.4849+5G>A

Gene: TSC2 (TSC complex subunit 2; plus strand). Cytogenetic location: 16p13.3.
Variant type: single nucleotide variant.
Coding change: c.4849+5G>A on transcript NM_000548.5 (MANE Select); 5 bases into the intron after coding-DNA position 4849, G replaced by A.
Molecular consequence: intron variant.
Genome position (GRCh38, 1-based): chr16:2,086,384, G>A. VCF-style: chr16-2086384-G-A. GRCh37 (hg19) VCF-style: chr16-2136385-G-A.
Other names: c.4780+5G>A (NM_001114382.3); c.4720+5G>A (NM_021055.3, NM_001370405.1); c.4651+5G>A (NM_001363528.2); c.4717+5G>A (NM_001370404.1); c.4648+5G>A (NM_001077183.3); c.4540+5G>A (NM_001318827.2); c.4117+5G>A (NM_001318831.2); c.4504+5G>A (NM_001318829.2); and 1 more.
Identifiers: ClinVar variation 579732 (VCV000579732.19), dbSNP rs1198379006, ClinGen allele CA620705033.